The following is an entry in ClinVar:

NM_000215.4(JAK3):c.362G>A (p.Arg121His)

Gene: JAK3 (Janus kinase 3; minus strand). Cytogenetic location: 19p13.11.
Variant type: single nucleotide variant.
Coding change: c.362G>A on transcript NM_000215.4 (MANE Select); coding-DNA position 362, G replaced by A.
Protein change: p.Arg121His; replaces arginine 121 with histidine.
Molecular consequence: missense variant.
Genome position (GRCh38, 1-based): chr19:17,843,438, C>T on the plus strand (G>A on the coding strand, the complement: JAK3 is on the minus strand). VCF-style: chr19-17843438-C-T. GRCh37 (hg19) VCF-style: chr19-17954247-C-T.
Other names: NM_000215.4(JAK3):c.362G>A; p.Arg121His; short protein forms R121H.
Identifiers: ClinVar variation 532747 (VCV000532747.13), dbSNP rs143586866, ClinGen allele CA9302185.
Genomic context (GRCh38, chr19:17,843,438, plus strand): 5'-ACCTGGGCAAAGAGGTGCTCCAGGACTGGCAGGTCAAGGATAGCACTGGCCAAATCCTTG[C>T]GTAGCCCGAAGCGGTGGCACTTCTCCAGCCCAAACCAATTGGGGAAGTAAAAGCTGTGAG-3'
Protein context (NP_000206.2, residues 111-131): GLEKCHRFGL[Arg121His]KDLASAILDL

ClinVar aggregate classification (germline): Likely benign. Review status: reviewed by expert panel (3 of 4 stars). 3 submissions from 3 submitters: Likely benign (1). 2 of the submissions do not count toward it. Last evaluated 2024-01-23.

Conditions:
T-B+ severe combined immunodeficiency due to JAK3 deficiency. Also called: SCID, autosomal recessive, T-negative/B-positive type; SCID, T CELL-NEGATIVE, B CELL-POSITIVE, NK CELL-NEGATIVE. Identifiers: Orphanet 35078, MedGen C1833275, MONDO:0010938, OMIM 600802.

Allele frequency attached by ClinVar (database versions not stated): TOPMed 0.00007; ESP Exome Variant Server 0.00015; ExAC 0.00036; gnomAD 0.00009 and 0.00008.
gnomAD v4.1: 172 of 1,599,896 alleles (0.011%); highest among the groups gnomAD compares: Middle Eastern, 0.033%; 1 homozygote.

Submissions (3):

ClinGen Severe Combined Immunodeficiency Variant Curation Expert Panel, ClinGen
Classification: Likely benign for T-B+ severe combined immunodeficiency due to JAK3 deficiency. Last evaluated: 2024-01-23. Review status: reviewed by expert panel. Criteria: ClinGen SCID ACMG Specifications JAK3 V1.0.0. Collection method: curation. Allele origin: germline. Inheritance: Autosomal recessive inheritance.
Comment: The c.362G>A (NM_000215.4) variant in JAK3 is a missense variant predicted to cause the substitution of Arginine by Histidine at amino acid 121 (p.Arg121His). The popmax filtering allele frequency in gnomAD v.4 is 0.0001262 (based on 11/58232 alleles in the Admixed American population), which is higher than the SCID VCEP established threshold of <0.000115 for PM2_Supporting and lower than >0.00447 (BA1 threshold) and 0.001 (BS1 threshold); However, the highest MAF in the Ashkenazi Jewish population is 0.001469 (43/29280 alleles), which is above the SCID VCEP established threshold of >0.00100. As this population is not known to have a higher prevalence of SCID, this is considered to meet BS1. There is a homozygote in gnomAD v.4 in the Ashkenazi Jewish population (43/29280 alleles), BS2_Supporting. To our knowledge, this variant has not been reported in the literature in individuals affected with JAK3-related conditions or in functional studies. In summary, this variant meets the criteria to be classified as Likely Benign for autosomal recessive T-B+ severe combined immunodeficiency due to JAK3 deficiency based on the ACMG/AMP criteria applied, as specified by the ClinGen SCID VCEP. Criteria applied: BS1 and BS2_Supporting (VCEP specifications version 1.0).

Labcorp Genetics (formerly Invitae), Labcorp
Classification: Likely benign for T-B+ severe combined immunodeficiency due to JAK3 deficiency. Last evaluated: 2026-01-11. Review status: criteria provided, single submitter. Criteria: Invitae Variant Classification Sherloc (09022015). Collection method: clinical testing. Allele origin: germline. Not counted in ClinVar's aggregate classification.

Fulgent Genetics
Classification: Uncertain significance for T-B+ severe combined immunodeficiency due to JAK3 deficiency. Last evaluated: 2022-04-05. Review status: criteria provided, single submitter. Criteria: ACMG Guidelines, 2015. Collection method: clinical testing. Allele origin: unknown. Not counted in ClinVar's aggregate classification.